The following is an entry in ClinVar:

NM_020937.4(FANCM):c.5185A>G (p.Lys1729Glu)

Gene: FANCM (FA complementation group M; plus strand). Cytogenetic location: 14q21.2.
Variant type: single nucleotide variant.
Coding change: c.5185A>G on transcript NM_020937.4 (MANE Select); coding-DNA position 5185, A replaced by G.
Protein change: p.Lys1729Glu; replaces lysine 1729 with glutamic acid.
Molecular consequence: missense variant.
Genome position (GRCh38, 1-based): chr14:45,189,207, A>G. VCF-style: chr14-45189207-A-G. GRCh37 (hg19) VCF-style: chr14-45658410-A-G.
Other names: c.5107A>G, p.Lys1703Glu (NM_001308133.2); short protein forms K1729E, K1703E.
Identifiers: ClinVar variation 2139237 (VCV002139237.4), dbSNP rs779717644, ClinGen allele CA7169925.

ClinVar aggregate classification (germline): Uncertain significance (1 of 4 stars; one submission).

Conditions:
Fanconi anemia (FA). Also called: Fanconi's anemia. Identifiers: Orphanet 84, MedGen C0015625, MeSH D005199, MONDO:0019391.

Allele frequency attached by ClinVar (database versions not stated): ExAC 0.00001; gnomAD 0.00001; gnomAD exomes 0.00001.
gnomAD v4.1: 4 of 1,614,052 alleles (0.00025%); highest among the groups gnomAD compares: Non-Finnish European, 0.00034%; no homozygotes.

Submission:

Labcorp Genetics (formerly Invitae), Labcorp
Classification: Uncertain significance for Fanconi anemia. Last evaluated: 2022-08-13. Review status: criteria provided, single submitter. Criteria: Invitae Variant Classification Sherloc (09022015). Collection method: clinical testing. Allele origin: germline.
Comment: In summary, the available evidence is currently insufficient to determine the role of this variant in disease. Therefore, it has been classified as a Variant of Uncertain Significance. Algorithms developed to predict the effect of missense changes on protein structure and function output the following: SIFT: "Tolerated"; PolyPhen-2: "Benign"; Align-GVGD: "Class C0". The glutamic acid amino acid residue is found in multiple mammalian species, which suggests that this missense change does not adversely affect protein function. This variant has not been reported in the literature in individuals affected with FANCM-related conditions. This variant is present in population databases (rs779717644, gnomAD 0.002%). This sequence change replaces lysine, which is basic and polar, with glutamic acid, which is acidic and polar, at codon 1729 of the FANCM protein (p.Lys1729Glu).